The following is an entry in ClinVar:

ClinVar aggregate classification (germline): Likely pathogenic (1 of 4 stars; one submission).

Conditions:
Autosomal recessive limb-girdle muscular dystrophy type 2J (LGMDR10). Also called: Limb-girdle muscular dystrophy, type 2J; MUSCULAR DYSTROPHY, LIMB-GIRDLE, AUTOSOMAL RECESSIVE 10. Identifiers: Orphanet 140922, MedGen C1837342, MONDO:0012127, OMIM 608807.
Dilated cardiomyopathy 1G (CMD1G). Identifiers: Orphanet 154, MedGen C1858763, MONDO:0011400, OMIM 604145.

Submission:

Labcorp Genetics (formerly Invitae), Labcorp
Classification: Likely pathogenic for Dilated cardiomyopathy 1G; Autosomal recessive limb-girdle muscular dystrophy type 2J. Last evaluated: 2024-07-31. Review status: criteria provided, single submitter. Criteria: Invitae Variant Classification Sherloc (09022015). Collection method: clinical testing. Allele origin: germline.
Comment: This sequence change affects an acceptor splice site in intron 307 of the TTN gene. It is expected to disrupt RNA splicing and likely results in a truncated or disrupted TTN protein. This variant is not present in population databases (gnomAD no frequency). This variant has not been reported in the literature in individuals affected with TTN-related conditions. Algorithms developed to predict the effect of sequence changes on RNA splicing suggest that this variant may disrupt the consensus splice site. This variant is located in the A band of TTN (PMID: 25589632). Truncating variants in this region are significantly overrepresented in patients affected with dilated cardiomyopathy (PMID: 25589632). Truncating variants in this region have also been reported in individuals affected with autosomal recessive centronuclear myopathy (PMID: 23975875). In summary, the currently available evidence indicates that the variant is pathogenic, but additional data are needed to prove that conclusively. Therefore, this variant has been classified as Likely Pathogenic.

Literature cited by the submitters: PubMed 25589632; PubMed 23975875.

NM_001267550.2(TTN):c.64094-1G>A

Genes: TTN-AS1 (TTN antisense RNA 1; plus strand), TTN (titin; minus strand). Cytogenetic location: 2q31.2.
Variant type: single nucleotide variant.
Coding change: c.64094-1G>A on transcript NM_001267550.2 (MANE Select); the canonical splice acceptor site of the intron before coding-DNA position 64094, G replaced by A.
Molecular consequence: splice acceptor variant.
Genome position (GRCh38, 1-based): chr2:178,586,808, C>T on the plus strand (G>A on the coding strand, the complement: TTN is on the minus strand). VCF-style: chr2-178586808-C-T. GRCh37 (hg19) VCF-style: chr2-179451535-C-T.
Other names: c.36899-1G>A (NM_003319.4); c.37475-1G>A (NM_133437.4); c.37274-1G>A (NM_133432.3); c.56390-1G>A (NM_133378.4); c.59171-1G>A (NM_001256850.1).
Identifiers: ClinVar variation 3753395 (VCV003753395.2).
Genomic context (GRCh38, chr2:178,586,808, plus strand): 5'-AGGTGGCACTGTTCTTGGTCATTTCAGTCACTTCTAATTTCCTTGGGGGATCCGGCTCAC[C>T]TAGAAGAAAAACATAATTTAGAAGATTACCTAGGTAACCTAATCAAATCCCCTTTGTTAA-3'